The following is an entry in ClinVar:

ClinVar aggregate classification (germline): Pathogenic (1 of 4 stars; one submission).

Conditions:
Bardet-Biedl syndrome (BBS). Identifiers: Orphanet 110, MedGen C0752166, MONDO:0015229.

Submission:

Labcorp Genetics (formerly Invitae), Labcorp
Classification: Pathogenic for Bardet-Biedl syndrome. Last evaluated: 2024-02-07. Review status: criteria provided, single submitter. Criteria: Invitae Variant Classification Sherloc (09022015). Collection method: clinical testing. Allele origin: germline.
Comment: This sequence change creates a premature translational stop signal (p.Ser213*) in the BBS12 gene. While this is not anticipated to result in nonsense mediated decay, it is expected to disrupt the last 498 amino acid(s) of the BBS12 protein. This variant is not present in population databases (gnomAD no frequency). This variant has not been reported in the literature in individuals affected with BBS12-related conditions. This variant disrupts a region of the BBS12 protein in which other variant(s) (p.Arg675*) have been determined to be pathogenic (PMID: 20827784, 21642631). This suggests that this is a clinically significant region of the protein, and that variants that disrupt it are likely to be disease-causing. For these reasons, this variant has been classified as Pathogenic.

Literature cited by the submitters: PubMed 20827784; PubMed 21642631.

NM_152618.3(BBS12):c.638C>G (p.Ser213Ter)

Gene: BBS12 (Bardet-Biedl syndrome 12; plus strand). Cytogenetic location: 4q27.
Variant type: single nucleotide variant.
Coding change: c.638C>G on transcript NM_152618.3 (MANE Select); coding-DNA position 638, C replaced by G.
Protein change: p.Ser213Ter; replaces serine 213 with a stop codon.
Molecular consequence: nonsense.
Genome position (GRCh38, 1-based): chr4:122,742,530, C>G. VCF-style: chr4-122742530-C-G. GRCh37 (hg19) VCF-style: chr4-123663685-C-G.
Other names: c.638C>G, p.Ser213Ter (NM_001178007.2); short protein forms S213*.
Identifiers: ClinVar variation 3639473 (VCV003639473.2).